The following is an entry in ClinVar:

ClinVar aggregate classification (germline): Uncertain significance (1 of 4 stars; one submission).

Submission:

GeneDx
Classification: Uncertain significance. Last evaluated: 2022-09-22. Review status: criteria provided, single submitter. Criteria: GeneDx Variant Classification Process June 2021. Collection method: clinical testing. Allele origin: germline. Affected: yes.
Comment: Not observed at significant frequency in large population cohorts (gnomAD); In silico analysis supports that this missense variant does not alter protein structure/function; Has not been previously published as pathogenic or benign to our knowledge

NM_001162501.2(TNRC6B):c.260T>C (p.Met87Thr)

Gene: TNRC6B (trinucleotide repeat containing adaptor 6B; plus strand). Cytogenetic location: 22q13.1.
Variant type: single nucleotide variant.
Coding change: c.260T>C on transcript NM_001162501.2 (MANE Select); coding-DNA position 260, T replaced by C.
Protein change: p.Met87Thr; replaces methionine 87 with threonine.
Molecular consequence: missense variant.
Genome position (GRCh38, 1-based): chr22:40,261,976, T>C. VCF-style: chr22-40261976-T-C. GRCh37 (hg19) VCF-style: chr22-40657980-T-C.
Other names: c.368T>C, p.Met123Thr (NM_001024843.2); c.260T>C, p.Met87Thr (NM_015088.3); short protein forms M123T, M87T.
Identifiers: ClinVar variation 2446067 (VCV002446067.1), dbSNP rs2517980581, ClinGen allele CA411626289.